The following is an entry in ClinVar:

NM_015459.5(ATL3):c.1559A>G (p.Asn520Ser)

Genes: ATL3 (atlastin GTPase 3; minus strand), LNCROPM (lncRNA regulator of PLAAT3 mediated phospholipid metabolism; plus strand). Cytogenetic location: 11q13.1.
Variant type: single nucleotide variant.
Coding change: c.1559A>G on transcript NM_015459.5 (MANE Select); coding-DNA position 1559, A replaced by G.
Protein change: p.Asn520Ser; replaces asparagine 520 with serine.
Molecular consequence: missense variant.
Genome position (GRCh38, 1-based): chr11:63,629,386, T>C on the plus strand (A>G on the coding strand, the complement: ATL3 is on the minus strand). VCF-style: chr11-63629386-T-C. GRCh37 (hg19) VCF-style: chr11-63396858-T-C.
Other names: p.Asn520Ser; c.1448A>G, p.Asn483Ser (NM_001440720.1); c.1403A>G, p.Asn468Ser (NM_001440721.1); c.1346A>G, p.Asn449Ser (NM_001440722.1); c.1505A>G, p.Asn502Ser (NM_001290048.2); c.1508A>G, p.Asn503Ser (NM_001440716.1); c.1502A>G, p.Asn501Ser (NM_001440717.1); c.1487A>G, p.Asn496Ser (NM_001440718.1); and 1 more; short protein forms N449S, N468S, N483S, N485S, N496S, N501S, N502S, N503S.
Identifiers: ClinVar variation 5021452 (VCV005021452.1).

ClinVar aggregate classification (germline): Uncertain significance (1 of 4 stars; one submission).

Conditions:
Neuropathy, hereditary sensory, type 1F. Also called: HSN IF; Hereditary sensory neuropathy type IF. Identifiers: Orphanet 36386, MedGen C3810194, MONDO:0014286, OMIM 615632.

gnomAD v4.1: 1 of 1,614,186 alleles (0.000062%); highest among the groups gnomAD compares: South Asian, 0.0011%; no homozygotes.

Submission:

Foundation for Research in Genetics and Endocrinology, FRIGE's Institute of Human Genetics
Classification: Uncertain significance for Neuropathy, hereditary sensory, type 1F. Last evaluated: 2026-09-15. Review status: criteria provided, single submitter. Criteria: ACMG Guidelines, 2015. Collection method: clinical testing. Allele origin: germline. Inheritance: Autosomal dominant inheritance. Affected: yes. Observed: 1 variant allele, 1 heterozygote.
Comment: A heterozygous missense variant in exon 13 of the ATL3 gene that results in the amino acid substitution of Serine for Asparagine at codon 520 (p.Asn520Ser) was detected. The p.Asn520Ser variant has not been reported in the 1000 genomes, gnomAD (v3.1) and gnomAD (v2.1) databases and has a minor allele frequency of 0.00038% in the topmed databases respectively. The in silico predictions of the variant are damaging by LRT and FATHMM. The reference codon is conserved across species. In summary, the variant meets our criteria to be classified as variant of uncertain significance.